The following is an entry in ClinVar:

ClinVar aggregate classification (germline): Uncertain significance. Review status: criteria provided, multiple submitters, no conflicts (2 of 4 stars). 2 submissions from 2 submitters: Uncertain significance (2). Last evaluated 2025-07-13.

Conditions:
Hereditary cancer-predisposing syndrome. Also called: Tumor predisposition; Hereditary neoplastic syndrome; Neoplastic Syndromes, Hereditary; Hereditary Cancer Syndrome. Identifiers: Orphanet 140162, MedGen C0027672, MeSH D009386, MONDO:0015356.
Bloom syndrome (BLM). Also called: Bloom-Torre-Machacek syndrome. Identifiers: Orphanet 125, MedGen C0005859, MONDO:0008876, OMIM 210900.

gnomAD v4.1: 1 of 1,614,020 alleles (0.000062%); highest among the groups gnomAD compares: Non-Finnish European, 0.000085%; no homozygotes.

Submissions (2):

Labcorp Genetics (formerly Invitae), Labcorp
Classification: Uncertain significance for Bloom syndrome. Last evaluated: 2025-07-13. Review status: criteria provided, single submitter. Criteria: Invitae Variant Classification Sherloc (09022015). Collection method: clinical testing. Allele origin: germline.
Comment: This sequence change replaces serine, which is neutral and polar, with glycine, which is neutral and non-polar, at codon 349 of the BLM protein (p.Ser349Gly). This variant is not present in population databases (gnomAD no frequency). This variant has not been reported in the literature in individuals affected with BLM-related conditions. ClinVar contains an entry for this variant (Variation ID: 959366). Invitae Evidence Modeling of protein sequence and biophysical properties (such as structural, functional, and spatial information, amino acid conservation, physicochemical variation, residue mobility, and thermodynamic stability) indicates that this missense variant is not expected to disrupt BLM protein function with a negative predictive value of 80%. In summary, the available evidence is currently insufficient to determine the role of this variant in disease. Therefore, it has been classified as a Variant of Uncertain Significance.

Ambry Genetics
Classification: Uncertain significance for Hereditary cancer-predisposing syndrome. Last evaluated: 2025-06-08. Review status: criteria provided, single submitter. Criteria: Ambry Variant Classification Scheme 2023. Collection method: clinical testing. Allele origin: germline.
Comment: The p.S349G variant (also known as c.1045A>G), located in coding exon 4 of the BLM gene, results from an A to G substitution at nucleotide position 1045. The serine at codon 349 is replaced by glycine, an amino acid with similar properties. This amino acid position is conserved. In addition, this alteration is predicted to be tolerated by in silico analysis. Based on the available evidence, the clinical significance of this variant remains unclear.

NM_000057.4(BLM):c.1045A>G (p.Ser349Gly)

Gene: BLM (BLM RecQ like helicase; plus strand). Cytogenetic location: 15q26.1.
Variant type: single nucleotide variant.
Coding change: c.1045A>G on transcript NM_000057.4 (MANE Select); coding-DNA position 1045, A replaced by G.
Protein change: p.Ser349Gly; replaces serine 349 with glycine.
Molecular consequence: missense variant. On other transcripts: 5 prime UTR variant (1).
Genome position (GRCh38, 1-based): chr15:90,754,896, A>G. VCF-style: chr15-90754896-A-G. GRCh37 (hg19) VCF-style: chr15-91298126-A-G.
Other names: c.1045A>G (NM_000057.2); c.1045A>G, p.Ser349Gly (NM_001287246.2, NM_001287247.2); c.-247A>G (NM_001287248.2); short protein forms S349G.
Identifiers: ClinVar variation 959366 (VCV000959366.8), dbSNP rs1895778101, ClinGen allele CA393842170.